The following is an entry in ClinVar:

ClinVar aggregate classification (germline): Pathogenic. Review status: criteria provided, multiple submitters, no conflicts (2 of 4 stars). 3 submissions from 3 submitters: Pathogenic (2). 1 of the submissions does not count toward it. Last evaluated 2024-09-16.

Conditions:
CDKL5 disorder. Identifiers: MedGen CN296942, MONDO:0100039.
Developmental and epileptic encephalopathy, 2 (DEE2). Also called: INFANTILE SPASM SYNDROME, X-LINKED 2; CDKL5 deficiency disorder. Identifiers: Orphanet 1934, Orphanet 3451, Orphanet 505652, MedGen C4750718, MONDO:0010396, OMIM 300672.
Angelman syndrome-like. Identifiers: MedGen CN128785.
Atypical Rett syndrome. Also called: Rett like syndrome; Variant Rett Syndrome. Identifiers: Orphanet 3095, MedGen C2748910, MONDO:0017746.

Submissions (3):

Centre for Population Genomics, CPG
Classification: Pathogenic for CDKL5 disorder. Last evaluated: 2024-09-16. Review status: criteria provided, single submitter. Criteria: McKnight et al. (Hum Mutat. 2022). Collection method: curation. Allele origin: germline. Inheritance: X-linked inheritance.
Comment: This variant has been collected from RettBASE and curated to current modified ACMG/AMP criteria. Based on the classification scheme defined by the ClinGen Rett/Angelman-like Expert Panel for Rett/AS-like Disorders Specifications to the ACMG/AMP Variant Interpretation Guidelines VCEP 3.0, this variant is classified as pathogenic. At least the following criteria are met: Predicted to result in loss of function, and LOF is a known mechanism of disease (PVS1). This variant has been identified as a de novo occurrence in an individual with CDKL5 disorder without confirmation of paternity and maternity (PM6). This variant is absent from gnomAD (PM2_Supporting).

Labcorp Genetics (formerly Invitae), Labcorp
Classification: Pathogenic for Developmental and epileptic encephalopathy, 2; Angelman syndrome-like. Last evaluated: 2018-01-15. Review status: criteria provided, single submitter. Criteria: Invitae Variant Classification Sherloc (09022015). Collection method: clinical testing. Allele origin: germline.
Comment: This variant is not present in population databases (ExAC no frequency). This variant has been reported to be de novo in an individual affected with an early onset seizure variant of Rett syndrome (PMID: 15917271). ClinVar contains an entry for this variant (Variation ID: 143801). Loss-of-function variants in CDKL5 are known to be pathogenic (PMID: 22872100). This sequence change creates a premature translational stop signal (p.Arg781Serfs*3) in the CDKL5 gene. It is expected to result in an absent or disrupted protein product. For these reasons, this variant has been classified as Pathogenic.

RettBASE
Classification: Pathogenic for Atypical Rett syndrome. Last evaluated: 2014-03-13. Review status: no assertion criteria provided. Collection method: curation. Allele origin: de novo. Affected: yes. Observed: 1 variant allele. Not counted in ClinVar's aggregate classification.

Literature cited by the submitters: PubMed 15917271 (cited by Labcorp Genetics (formerly Invitae), Labcorp and RettBASE); PubMed 22872100 (cited by Labcorp Genetics (formerly Invitae), Labcorp).

NM_001323289.2(CDKL5):c.2343del (p.Arg781fs)

Gene: CDKL5 (cyclin dependent kinase like 5; plus strand). Cytogenetic location: Xp22.13.
Variant type: Deletion.
Coding change: c.2343del on transcript NM_001323289.2 (MANE Select); coding-DNA position 2343, one base deleted (G; older notation c.2343delG).
Protein change: p.Arg781fs; shifts the reading frame from arginine 781.
Molecular consequence: frameshift variant.
Genome position (GRCh38, 1-based): chrX:18,619,933, G deleted; the last of 2 consecutive G bases (chrX:18,619,932-18,619,933); deleting either gives the same sequence. VCF-style (leftmost placement, unchanged base first): chrX-18619931-AG-A. GRCh37 (hg19) VCF-style: chrX-18638051-AG-A.
Other names: NM_001323289.2(CDKL5):c.2343del; p.Arg781fs; c.2343del, p.Arg781fs (NM_001037343.2, NM_003159.3); c.2343delG (NM_003159.2); short protein forms R781fs.
Identifiers: ClinVar variation 143801 (VCV000143801.12), dbSNP rs62643614, ClinGen allele CA170475.